The following is an entry in ClinVar:

ClinVar aggregate classification (germline): Uncertain significance. Review status: criteria provided, multiple submitters, no conflicts (2 of 4 stars). 2 submissions from 2 submitters: Uncertain significance (2). Last evaluated 2025-11-19.

Allele frequency attached by ClinVar (database versions not stated): ExAC 0.00003; gnomAD 0.00003 and 0.00004; gnomAD exomes 0.00003 and 0.00004; TOPMed 0.00003.

Submissions (2):

Ambry Genetics
Classification: Uncertain significance. Last evaluated: 2025-11-19. Review status: criteria provided, single submitter. Criteria: Ambry Variant Classification Scheme 2023. Collection method: clinical testing. Allele origin: germline.

Labcorp Genetics (formerly Invitae), Labcorp
Classification: Uncertain significance. Last evaluated: 2022-12-10. Review status: criteria provided, single submitter. Criteria: Invitae Variant Classification Sherloc (09022015). Collection method: clinical testing. Allele origin: germline.
Comment: This sequence change replaces alanine, which is neutral and non-polar, with valine, which is neutral and non-polar, at codon 1008 of the ADGRA3 protein (p.Ala1008Val). In summary, the available evidence is currently insufficient to determine the role of this variant in disease. Therefore, it has been classified as a Variant of Uncertain Significance. Algorithms developed to predict the effect of missense changes on protein structure and function (SIFT, PolyPhen-2, Align-GVGD) all suggest that this variant is likely to be tolerated. ClinVar contains an entry for this variant (Variation ID: 1010759). This variant has not been reported in the literature in individuals affected with ADGRA3-related conditions. This variant is present in population databases (rs752813660, gnomAD 0.01%).

NM_145290.4(ADGRA3):c.3023C>T (p.Ala1008Val)

Gene: ADGRA3 (adhesion G protein-coupled receptor A3; minus strand). Cytogenetic location: 4p15.2.
Variant type: single nucleotide variant.
Coding change: c.3023C>T on transcript NM_145290.4 (MANE Select); coding-DNA position 3023, C replaced by T.
Protein change: p.Ala1008Val; replaces alanine 1008 with valine.
Molecular consequence: missense variant.
Genome position (GRCh38, 1-based): chr4:22,388,648, G>A on the plus strand (C>T on the coding strand, the complement: ADGRA3 is on the minus strand). VCF-style: chr4-22388648-G-A. GRCh37 (hg19) VCF-style: chr4-22390271-G-A.
Other names: c.3023C>T (NM_145290.2); short protein forms A1008V.
Identifiers: ClinVar variation 1010759 (VCV001010759.9), dbSNP rs752813660, ClinGen allele CA2873463.